The following is an entry in ClinVar:

ClinVar aggregate classification (germline): Pathogenic (1 of 4 stars; one submission).

Submission:

Quest Diagnostics Nichols Institute San Juan Capistrano
Classification: Pathogenic. Last evaluated: 2022-05-16. Review status: criteria provided, single submitter. Criteria: ACMG/ClinGen CNV Guidelines, 2019. Collection method: clinical testing. Allele origin: unknown.
Comment: The deletion of 17p12 includes the PMP22 (OMIM 601097), and it is associated with hereditary neuropathy with liability to pressure palsies (HNPP)(OMIM 162500), an autosomal dominant disorder characterized by repeated focal pressure neuropathies such as carpal tunnel syndrome and peroneal palsy with foot drop. Common presenting symptoms occur in adolescence or young adulthood. Approximately 80% of individuals with HNPP have inherited the pathogenic variant, however, some carriers of the deletion have few or no symptoms. See GeneReviews for additional information and references.

GRCh37/hg19 17p12(chr17:14083055-15484859)x1

Genes: CDRT15 (CMT1A duplicated region transcript 15; minus strand), CDRT4 (CMT1A duplicated region transcript 4; minus strand), COX10 (cytochrome c oxidase assembly factor heme A:farnesyltransferase COX10; plus strand), HS3ST3B1 (heparan sulfate-glucosamine 3-sulfotransferase 3B1; plus strand), PMP22 (peripheral myelin protein 22; minus strand) and 3 more. Cytogenetic location: 17p12.
Variant type: copy number loss.
Change: copy number 1 (one copy instead of two) of chr17:14,083,055-15,484,859 (1.40 Mb, GRCh37 coordinates, 1-based), cytogenetic band 17p12.
Identifiers: ClinVar variation 1808667 (VCV001808667.1).